The following is an entry in ClinVar:

NM_001009944.3(PKD1):c.8330C>T (p.Ala2777Val)

Gene: PKD1 (polycystin 1, transient receptor potential channel interacting; minus strand). Cytogenetic location: 16p13.3.
Variant type: single nucleotide variant.
Coding change: c.8330C>T on transcript NM_001009944.3 (MANE Select); coding-DNA position 8330, C replaced by T.
Protein change: p.Ala2777Val; replaces alanine 2777 with valine.
Molecular consequence: missense variant.
Genome position (GRCh38, 1-based): chr16:2,103,727, G>A on the plus strand (C>T on the coding strand, the complement: PKD1 is on the minus strand). VCF-style: chr16-2103727-G-A. GRCh37 (hg19) VCF-style: chr16-2153728-G-A.
Other names: c.8330C>T, p.Ala2777Val (NM_000296.4); short protein forms A2777V.
Identifiers: ClinVar variation 2634794 (VCV002634794.2), dbSNP rs755760795, ClinGen allele CA7830561.

ClinVar aggregate classification (germline): Uncertain significance. Review status: criteria provided, multiple submitters, no conflicts (2 of 4 stars). 2 submissions from 2 submitters: Uncertain significance (2). Last evaluated 2025-12-12.

Conditions:
PKD1-related disorder. Also called: PKD1-related condition.

Allele frequency attached by ClinVar (database versions not stated): ExAC 0.00002; TOPMed below 0.00001; gnomAD exomes 0.00002.
gnomAD v4.1: 30 of 1,609,976 alleles (0.0019%); highest among the groups gnomAD compares: East Asian, 0.0022%; no homozygotes.

Submissions (2):

Genetic Services Laboratory, University of Chicago
Classification: Uncertain significance. Last evaluated: 2025-12-12. Review status: criteria provided, single submitter. Criteria: ACMG Guidelines, 2015. Collection method: clinical testing. Allele origin: germline.
Comment: The c.8330C>T variant: Results in an amino acid change, p.Ala2777Val. Does not appear to have been previously described in individuals with PKD1-related disorders. Is reported in the gnomAD v4 database with a frequency of 0.002% in the non-Finnish European subpopulation (dbSNP rs755760795). Affects a poorly conserved amino acid residue located in a domain of the PKD1 protein that is not known to be functional. Appears to be benign using several in-silico pathogenicity prediction tools. ClinVar contains an entry for this variant (Variation ID: 2634794) Due to insufficient evidence and the lack of functional studies, the clinical significance of the p.Ala2777Val variant remains unknown at this time.

PreventionGenetics, part of Exact Sciences
Classification: Uncertain significance for PKD1-related condition. Last evaluated: 2025-04-08. Review status: criteria provided, single submitter. Criteria: ACMG Guidelines, 2015. Collection method: clinical testing. Allele origin: germline.
Comment: The PKD1 c.8330C>T variant is predicted to result in the amino acid substitution p.Ala2777Val. To our knowledge, this variant has not been reported in the literature. This variant is reported in 0.013% of alleles in individuals of African descent in gnomAD. However, this variant occurs in a highly paralogous region and allele frequency data should be interpreted with caution. At this time, the clinical significance of this variant is uncertain due to the absence of conclusive functional and genetic evidence.